The following is an entry in ClinVar:

ClinVar aggregate classification (germline): Uncertain significance (1 of 4 stars; one submission).

Conditions:
Emery-Dreifuss muscular dystrophy 4, autosomal dominant (EDMD4). Also called: EMERY-DREIFUSS MUSCULAR DYSTROPHY 4 WITH VARIABLE FEATURES. Identifiers: Orphanet 261, MedGen C2751807, MONDO:0013071, OMIM 612998.
Autosomal recessive ataxia, Beauce type. Also called: Spinocerebellar ataxia, autosomal recessive 8; ATAXIA, RECESSIVE, OF BEAUCE; SYNE1-Related Autosomal Recessive Cerebellar Ataxia; SYNE1 Deficiency. Identifiers: Orphanet 88644, MedGen C1853116, MONDO:0012549, OMIM 610743.

Submission:

Labcorp Genetics (formerly Invitae), Labcorp
Classification: Uncertain significance for Emery-Dreifuss muscular dystrophy 4, autosomal dominant; Autosomal recessive ataxia, Beauce type. Last evaluated: 2022-08-09. Review status: criteria provided, single submitter. Criteria: Invitae Variant Classification Sherloc (09022015). Collection method: clinical testing. Allele origin: germline.
Comment: This sequence change replaces valine, which is neutral and non-polar, with leucine, which is neutral and non-polar, at codon 2969 of the SYNE1 protein (p.Val2969Leu). This variant is not present in population databases (gnomAD no frequency). This variant has not been reported in the literature in individuals affected with SYNE1-related conditions. ClinVar contains an entry for this variant (Variation ID: 937798). Algorithms developed to predict the effect of missense changes on protein structure and function are either unavailable or do not agree on the potential impact of this missense change (SIFT: "Deleterious"; PolyPhen-2: "Benign"; Align-GVGD: "Class C0"). In summary, the available evidence is currently insufficient to determine the role of this variant in disease. Therefore, it has been classified as a Variant of Uncertain Significance.

NM_182961.4(SYNE1):c.8884G>C (p.Val2962Leu)

Genes: SYNE1-AS1 (SYNE1 antisense RNA 1; plus strand), SYNE1 (spectrin repeat containing nuclear envelope protein 1; minus strand). Cytogenetic location: 6q25.2.
Variant type: single nucleotide variant.
Coding change: c.8884G>C on transcript NM_182961.4 (MANE Select); coding-DNA position 8884, G replaced by C.
Protein change: p.Val2962Leu; replaces valine 2962 with leucine.
Molecular consequence: missense variant. On other transcripts: non-coding transcript variant (1).
Genome position (GRCh38, 1-based): chr6:152,381,131, C>G on the plus strand (G>C on the coding strand, the complement: SYNE1 is on the minus strand). VCF-style: chr6-152381131-C-G. GRCh37 (hg19) VCF-style: chr6-152702266-C-G.
Other names: c.8905G>C, p.Val2969Leu (NM_033071.5); short protein forms V2962L, V2969L.
Identifiers: ClinVar variation 937798 (VCV000937798.9), dbSNP rs2097406538, ClinGen allele CA366144092.
Genomic context (GRCh38, chr6:152,381,131, plus strand): 5'-GCTGAGCCCAGGTTTTCAGAAGGGCACTGAACTGTTCCAGGGCCTGCTCCAGTTGAGCCA[C>G]TTGGCCTGAGAATTCCTGCTCCGAAAGGGCCATCTGGCTGACCAGGTTCTCCAAACAGCT-3'
Protein context (NP_892006.3, residues 2952-2972): ALSEQEFSGQ[Val2962Leu]AQLEQALEQF